The following is an entry in ClinVar:

ClinVar aggregate classification (germline): Benign/Likely benign. Review status: criteria provided, multiple submitters, no conflicts (2 of 4 stars). 3 submissions from 3 submitters: Benign (1); Likely benign (2). Last evaluated 2025-12-21.

Conditions:
Distal myopathy with posterior leg and anterior hand involvement. Also called: WILLIAMS DISTAL MYOPATHY. Identifiers: Orphanet 63273, MedGen C3279722, MONDO:0013550, OMIM 614065.
Myofibrillar myopathy 5. Also called: Filaminopathy (type); FILAMINOPATHY, AUTOSOMAL DOMINANT. Identifiers: Orphanet 171445, MedGen C1836050, MONDO:0012289, OMIM 609524.
Hypertrophic cardiomyopathy 26. Also called: Cardiomyopathy, familial hypertrophic, 26. Identifiers: Orphanet 75249, MedGen C4310749, MONDO:0014883, OMIM 617047.
Cardiovascular phenotype. Identifiers: MedGen CN230736.

Allele frequency attached by ClinVar (database versions not stated): ExAC 0.00001; gnomAD exomes 0.00001 and 0.00003.
gnomAD v4.1: 8 of 1,613,028 alleles (0.0005%); highest among the groups gnomAD compares: Admixed American, 0.013%; no homozygotes.

Submissions (3):

Labcorp Genetics (formerly Invitae), Labcorp
Classification: Benign for Distal myopathy with posterior leg and anterior hand involvement; Myofibrillar myopathy 5; Hypertrophic cardiomyopathy 26. Last evaluated: 2025-12-21. Review status: criteria provided, single submitter. Criteria: Invitae Variant Classification Sherloc (09022015). Collection method: clinical testing. Allele origin: germline.

CeGaT Center for Human Genetics Tuebingen
Classification: Likely benign. Last evaluated: 2025-10-01. Review status: criteria provided, single submitter. Criteria: CeGaT Center For Human Genetics Tuebingen Variant Classification Criteria Version 2. Collection method: clinical testing. Allele origin: germline. Affected: yes. Observed: 1 variant allele.
Comment: FLNC: BP4, BP7

Ambry Genetics
Classification: Likely benign for Cardiovascular phenotype. Last evaluated: 2020-06-17. Review status: criteria provided, single submitter. Criteria: Ambry Variant Classification Scheme 2023. Collection method: clinical testing. Allele origin: germline.

NM_001458.5(FLNC):c.282A>G (p.Gln94=)

Gene: FLNC (filamin C; plus strand). Cytogenetic location: 7q32.1.
Variant type: single nucleotide variant.
Coding change: c.282A>G on transcript NM_001458.5 (MANE Select); coding-DNA position 282, A replaced by G.
Protein change: p.Gln94=; no amino-acid change (glutamine 94 retained).
Molecular consequence: synonymous variant.
Genome position (GRCh38, 1-based): chr7:128,830,919, A>G. VCF-style: chr7-128830919-A-G. GRCh37 (hg19) VCF-style: chr7-128470973-A-G.
Other names: c.282A>G, p.Gln94= (NM_001127487.2).
Identifiers: ClinVar variation 571516 (VCV000571516.17), dbSNP rs772401033, ClinGen allele CA4473988.
Genomic context (GRCh38, chr7:128,830,919, plus strand): 5'-CGAGGTGCTCAGCCAGAAGCGCATGTACCGCAAGTTCCATCCGCGCCCCAACTTCCGCCA[A>G]ATGAAGCTGGAGAACGTGTCCGTGGCCCTCGAGTTCCTCGAGCGCGAGCACATCAAGCTC-3'
Protein context (NP_001449.3, residues 84-104): RKFHPRPNFR[Gln94=]MKLENVSVAL